The following is an entry in ClinVar:

NM_031308.4(EPPK1):c.4884G>A (p.Ala1628=)

Gene: EPPK1 (epiplakin 1; minus strand). Cytogenetic location: 8q24.3.
Variant type: single nucleotide variant.
Coding change: c.4884G>A on transcript NM_031308.4 (MANE Select); coding-DNA position 4884, G replaced by A.
Protein change: p.Ala1628=; no amino-acid change (alanine 1628 retained).
Molecular consequence: synonymous variant.
Genome position (GRCh38, 1-based): chr8:143,868,370, C>T on the plus strand (G>A on the coding strand, the complement: EPPK1 is on the minus strand). VCF-style: chr8-143868370-C-T. GRCh37 (hg19) VCF-style: chr8-144942538-C-T.
Identifiers: ClinVar variation 3034756 (VCV003034756.2), dbSNP rs117131125, ClinGen allele CA4922349.

ClinVar aggregate classification (germline): Benign (0 of 4 stars; one submission).

Conditions:
EPPK1-related disorder. Also called: EPPK1-related condition.

Allele frequency attached by ClinVar (database versions not stated): 1000 Genomes Project 30x 0.00640; 1000 Genomes Project 0.00679; gnomAD 0.01903; TOPMed 0.01964; ExAC 0.01995; ESP Exome Variant Server 0.02297.
gnomAD v4.1: 41,356 of 1,612,796 alleles (2.6%); highest among the groups gnomAD compares: Middle Eastern, 3.9%; 618 homozygotes.

Submission:

PreventionGenetics, part of Exact Sciences
Classification: Benign for EPPK1-related condition. Last evaluated: 2021-04-19. Review status: no assertion criteria provided. Collection method: clinical testing. Allele origin: germline.
Comment: This variant is classified as benign based on ACMG/AMP sequence variant interpretation guidelines (Richards et al. 2015 PMID: 25741868, with internal and published modifications).